The following is an entry in ClinVar:

ClinVar aggregate classification (germline): Likely benign (1 of 4 stars; one submission).

Allele frequency attached by ClinVar (database versions not stated): ESP Exome Variant Server 0.00015; 1000 Genomes Project 30x 0.00047; gnomAD 0.00056.
gnomAD v4.1: 464 of 1,604,312 alleles (0.029%); highest among the groups gnomAD compares: African/African-American, 0.057%; no homozygotes.

Submission:

CeGaT Center for Human Genetics Tuebingen
Classification: Likely benign. Last evaluated: 2024-02-01. Review status: criteria provided, single submitter. Criteria: CeGaT Center For Human Genetics Tuebingen Variant Classification Criteria Version 2. Collection method: clinical testing. Allele origin: germline. Affected: yes. Observed: 1 variant allele.
Comment: CROCC: BP4

NM_014675.5(CROCC):c.1290+8G>T

Gene: CROCC (ciliary rootlet coiled-coil, rootletin; plus strand). Cytogenetic location: 1p36.13.
Variant type: single nucleotide variant.
Coding change: c.1290+8G>T on transcript NM_014675.5 (MANE Select); 8 bases into the intron after coding-DNA position 1290, G replaced by T.
Molecular consequence: intron variant.
Genome position (GRCh38, 1-based): chr1:16,937,745, G>T. VCF-style: chr1-16937745-G-T. GRCh37 (hg19) VCF-style: chr1-17264240-G-T.
Identifiers: ClinVar variation 3025800 (VCV003025800.22), dbSNP rs368236716, ClinGen allele CA634469.